The following is an entry in ClinVar:

NM_001563.4(IMPG1):c.1890C>T (p.Asn630=)

Gene: IMPG1 (interphotoreceptor matrix proteoglycan 1; minus strand). Cytogenetic location: 6q14.1.
Variant type: single nucleotide variant.
Coding change: c.1890C>T on transcript NM_001563.4 (MANE Select); coding-DNA position 1890, C replaced by T.
Protein change: p.Asn630=; no amino-acid change (asparagine 630 retained).
Molecular consequence: synonymous variant.
Genome position (GRCh38, 1-based): chr6:75,947,468, G>A on the plus strand (C>T on the coding strand, the complement: IMPG1 is on the minus strand). VCF-style: chr6-75947468-G-A. GRCh37 (hg19) VCF-style: chr6-76657185-G-A.
Other names: c.1656C>T, p.Asn552= (NM_001282368.2); c.1890C>T (NM_001563.3).
Identifiers: ClinVar variation 1583132 (VCV001583132.15), dbSNP rs145267469, ClinGen allele CA3898013.

ClinVar aggregate classification (germline): Benign/Likely benign. Review status: criteria provided, multiple submitters, no conflicts (2 of 4 stars). 5 submissions from 5 submitters: Benign (1); Likely benign (4). Last evaluated 2026-02-01.

Conditions:
IMPG1-related disorder. Also called: IMPG1-related condition.
Retinal dystrophy. Also called: Inherited retinal dystrophy. Identifiers: Orphanet 71862, MedGen C0854723, MeSH D058499, MONDO:0019118, HP:0000556.

Allele frequency attached by ClinVar (database versions not stated): gnomAD 0.00006; ESP Exome Variant Server 0.00008; TOPMed 0.00011; gnomAD exomes 0.00012; ExAC 0.00013.
gnomAD v4.1: 249 of 1,613,538 alleles (0.015%); highest among the groups gnomAD compares: East Asian, 0.049%; no homozygotes.

Submissions (5):

CeGaT Center for Human Genetics Tuebingen
Classification: Likely benign. Last evaluated: 2026-02-01. Review status: criteria provided, single submitter. Criteria: CeGaT Center For Human Genetics Tuebingen Variant Classification Criteria Version 2. Collection method: clinical testing. Allele origin: germline. Affected: yes. Observed: 1 variant allele.
Comment: IMPG1: BP4, BP7

PreventionGenetics, part of Exact Sciences
Classification: Likely benign for IMPG1-related condition. Last evaluated: 2025-07-17. Review status: criteria provided, single submitter. Criteria: ACMG Guidelines, 2015. Collection method: clinical testing. Allele origin: germline.
Comment: This variant is classified as likely benign based on ACMG/AMP sequence variant interpretation guidelines (Richards et al. 2015 PMID: 25741868, with internal and published modifications).

Labcorp Genetics (formerly Invitae), Labcorp
Classification: Likely benign. Last evaluated: 2025-02-19. Review status: criteria provided, single submitter. Criteria: Invitae Variant Classification Sherloc (09022015). Collection method: clinical testing. Allele origin: germline.

Blueprint Genetics
Classification: Likely benign. Last evaluated: 2024-09-04. Review status: criteria provided, single submitter. Criteria: ACMG Guidelines, 2015. Collection method: clinical testing. Allele origin: germline.

Dept Of Ophthalmology, Nagoya University
Classification: Benign for Retinal dystrophy. Last evaluated: 2023-10-01. Review status: criteria provided, single submitter. Criteria: Submitter's publication. Collection method: research. Allele origin: germline. Affected: yes.